The following is an entry in ClinVar:

NM_201253.3(CRB1):c.2715G>A (p.Arg905=)

Gene: CRB1 (crumbs cell polarity complex component 1; plus strand). Cytogenetic location: 1q31.3.
Variant type: single nucleotide variant.
Coding change: c.2715G>A on transcript NM_201253.3 (MANE Select); coding-DNA position 2715, G replaced by A.
Protein change: p.Arg905=; no amino-acid change (arginine 905 retained).
Molecular consequence: synonymous variant. On other transcripts: non-coding transcript variant (2), intron variant (1).
Genome position (GRCh38, 1-based): chr1:197,429,487, G>A. VCF-style: chr1-197429487-G-A. GRCh37 (hg19) VCF-style: chr1-197398617-G-A.
Other names: c.2379G>A, p.Arg793= (NM_001193640.2); c.2643G>A, p.Arg881= (NM_001257965.2); c.2129-6113G>A (NM_001257966.2).
Identifiers: ClinVar variation 294681 (VCV000294681.17), dbSNP rs534108312, ClinGen allele CA1312196.

ClinVar aggregate classification (germline): Benign/Likely benign. Review status: criteria provided, multiple submitters, no conflicts (2 of 4 stars). 8 submissions from 4 submitters: Benign (1); Likely benign (7). Last evaluated 2025-11-25.

Conditions:
Leber congenital amaurosis 8 (LCA8). Identifiers: Orphanet 65, MedGen C3151202, MONDO:0013453, OMIM 613835.
Retinitis pigmentosa 12 (RP12). Also called: RP WITH OR WITHOUT PRESERVED PARAARTERIOLE RETINAL PIGMENT EPITHELIUM; RETINITIS PIGMENTOSA WITH OR WITHOUT PARAARTERIOLAR PRESERVATION OF RETINAL PIGMENT EPITHELIUM; RP WITH OR WITHOUT PPRPE. Identifiers: Orphanet 791, MedGen C1838647, MONDO:0010818, OMIM 600105.
Retinitis pigmentosa (RP). Identifiers: Orphanet 791, MedGen C0035334, MeSH D012174, MONDO:0019200, OMIM 268000. Inheritance: Autosomal dominant, autosomal recessive and X linked inheritance.
Pigmented paravenous retinochoroidal atrophy. Identifiers: Orphanet 251295, MedGen C1868310, MONDO:0008246, OMIM 172870.

Allele frequency attached by ClinVar (database versions not stated): gnomAD 0.00001 and 0.00011; TOPMed 0.00001; gnomAD exomes 0.00027 and 0.00052; ExAC 0.00054; 1000 Genomes Project 0.00140; 1000 Genomes Project 30x 0.00141.
gnomAD v4.1: 410 of 1,614,004 alleles (0.025%); highest among the groups gnomAD compares: South Asian, 0.42%; 4 homozygotes.

Submissions (8):

Labcorp Genetics (formerly Invitae), Labcorp
Classification: Benign for Leber congenital amaurosis 8; Retinitis pigmentosa 12. Last evaluated: 2025-11-25. Review status: criteria provided, single submitter. Criteria: Invitae Variant Classification Sherloc (09022015). Collection method: clinical testing. Allele origin: germline.

Blueprint Genetics
Classification: Likely benign. Last evaluated: 2024-09-11. Review status: criteria provided, single submitter. Criteria: ACMG Guidelines, 2015. Collection method: clinical testing. Allele origin: germline.

Genome-Nilou Lab
Classification: Likely benign for Leber congenital amaurosis 8. Last evaluated: 2023-04-11. Review status: criteria provided, single submitter. Criteria: ACMG Guidelines, 2015. Collection method: clinical testing. Allele origin: germline. Affected: no.

Genome-Nilou Lab
Classification: Likely benign for Pigmented paravenous retinochoroidal atrophy. Last evaluated: 2023-04-11. Review status: criteria provided, single submitter. Criteria: ACMG Guidelines, 2015. Collection method: clinical testing. Allele origin: germline. Affected: no.

Genome-Nilou Lab
Classification: Likely benign for Retinitis pigmentosa 12. Last evaluated: 2023-04-11. Review status: criteria provided, single submitter. Criteria: ACMG Guidelines, 2015. Collection method: clinical testing. Allele origin: germline. Affected: no.

Illumina Laboratory Services, Illumina
Classification: Likely benign for Retinitis pigmentosa. Last evaluated: 2017-04-27. Review status: criteria provided, single submitter. Criteria: ICSL Variant Classification Criteria 13 December 2019. Collection method: clinical testing. Allele origin: germline.
Comment: This variant was observed as part of a predisposition screen in an ostensibly healthy population. A literature search was performed for the gene, cDNA change, and amino acid change (where applicable). Publications were found based on this search. The evidence from the literature, in combination with allele frequency data from public databases where available, was sufficient to determine this variant is unlikely to cause disease. Therefore, this variant is classified as likely benign.

Illumina Laboratory Services, Illumina
Classification: Likely benign for Pigmented paravenous retinochoroidal atrophy. Last evaluated: 2017-04-27. Review status: criteria provided, single submitter. Criteria: ICSL Variant Classification Criteria 13 December 2019. Collection method: clinical testing. Allele origin: germline.
Comment: This variant was observed as part of a predisposition screen in an ostensibly healthy population. A literature search was performed for the gene, cDNA change, and amino acid change (where applicable). No publications were found based on this search. Allele frequency data from public databases allowed determination this variant is unlikely to cause disease. Therefore, this variant is classified as likely benign.

Illumina Laboratory Services, Illumina
Classification: Likely benign for Leber congenital amaurosis 8. Last evaluated: 2017-04-27. Review status: criteria provided, single submitter. Criteria: ICSL Variant Classification Criteria 13 December 2019. Collection method: clinical testing. Allele origin: germline.
Comment: the same text as in the submission from Illumina Laboratory Services, Illumina above.

Literature cited by the submitters: PubMed 19339744 (cited by Illumina Laboratory Services, Illumina).